The following is an entry in ClinVar:

ClinVar aggregate classification (germline): Conflicting classifications of pathogenicity. Review status: criteria provided, conflicting classifications (1 of 4 stars). 5 submissions from 5 submitters: Uncertain significance (1); Likely benign (3). 1 of the submissions does not count toward it. Last evaluated 2025-07-15.

Conditions:
COL4A6-related disorder. Also called: COL4A6-related condition.

Allele frequency attached by ClinVar (database versions not stated): ExAC 0.00013; ESP Exome Variant Server 0.00019; gnomAD exomes 0.00021; gnomAD 0.00025; TOPMed 0.00028.
gnomAD v4.1: 419 of 1,207,925 alleles (0.035%); highest among the groups gnomAD compares: Admixed American, 0.066%; no homozygotes.

Submissions (5):

Labcorp Genetics (formerly Invitae), Labcorp
Classification: Likely benign. Last evaluated: 2025-07-15. Review status: criteria provided, single submitter. Criteria: Invitae Variant Classification Sherloc (09022015). Collection method: clinical testing. Allele origin: germline.

Blueprint Genetics
Classification: Likely benign. Last evaluated: 2024-10-23. Review status: criteria provided, single submitter. Criteria: ACMG Guidelines, 2015. Collection method: clinical testing. Allele origin: germline.

Ambry Genetics
Classification: Uncertain significance. Last evaluated: 2024-08-28. Review status: criteria provided, single submitter. Criteria: Ambry Variant Classification Scheme 2023. Collection method: clinical testing. Allele origin: germline.

CeGaT Center for Human Genetics Tuebingen
Classification: Likely benign. Last evaluated: 2023-02-01. Review status: criteria provided, single submitter. Criteria: CeGaT Center For Human Genetics Tuebingen Variant Classification Criteria Version 2. Collection method: clinical testing. Allele origin: germline. Affected: yes. Observed: 1 variant allele.
Comment: COL4A6: BS2

PreventionGenetics, part of Exact Sciences
Classification: Likely benign for COL4A6-related condition. Last evaluated: 2023-05-18. Review status: no assertion criteria provided. Collection method: clinical testing. Allele origin: germline. Not counted in ClinVar's aggregate classification.
Comment: This variant is classified as likely benign based on ACMG/AMP sequence variant interpretation guidelines (Richards et al. 2015 PMID: 25741868, with internal and published modifications).

NM_033641.4(COL4A6):c.2367G>T (p.Lys789Asn)

Gene: COL4A6 (collagen type IV alpha 6 chain; minus strand). Cytogenetic location: Xq22.3.
Variant type: single nucleotide variant.
Coding change: c.2367G>T on transcript NM_033641.4 (MANE Select); coding-DNA position 2367, G replaced by T.
Protein change: p.Lys789Asn; replaces lysine 789 with asparagine.
Molecular consequence: missense variant.
Genome position (GRCh38, 1-based): chrX:108,178,832, C>A on the plus strand (G>T on the coding strand, the complement: COL4A6 is on the minus strand). VCF-style: chrX-108178832-C-A. GRCh37 (hg19) VCF-style: chrX-107422062-C-A.
Other names: c.2370G>T (NM_001847.3, NM_001847.2); c.2418G>T, p.Lys806Asn (NM_001287758.2); c.2367G>T, p.Lys789Asn (NM_001287759.2, NM_001287760.2); c.2370G>T, p.Lys790Asn (NM_001847.4); short protein forms K789N, K790N, K806N.
Identifiers: ClinVar variation 1622812 (VCV001622812.36), dbSNP rs148636080, ClinGen allele CA10487631.